The following is an entry in ClinVar:

NM_002691.4(POLD1):c.1028G>A (p.Arg343His)

Gene: POLD1 (DNA polymerase delta 1, catalytic subunit; plus strand). Cytogenetic location: 19q13.33.
Variant type: single nucleotide variant.
Coding change: c.1028G>A on transcript NM_002691.4 (MANE Select); coding-DNA position 1028, G replaced by A.
Protein change: p.Arg343His; replaces arginine 343 with histidine.
Molecular consequence: missense variant. On other transcripts: non-coding transcript variant (1).
Genome position (GRCh38, 1-based): chr19:50,403,110, G>A. VCF-style: chr19-50403110-G-A. GRCh37 (hg19) VCF-style: chr19-50906367-G-A.
Other names: c.1028G>A, p.Arg343His (NM_001256849.1, NM_001308632.1); short protein forms R343H.
Identifiers: ClinVar variation 246395 (VCV000246395.20), dbSNP rs140539427, ClinGen allele CA9596005.
Genomic context (GRCh38, chr19:50,403,110, plus strand): 5'-CAGGCATCTTCCCTGAGCCTGAGCGGGACCCTGTCATCCAGATCTGCTCGCTGGGCCTGC[G>A]CTGGGGGGAGCCGGAGCCCTTCCTACGCCTGGCGCTCACCCTGCGGCCCTGTGCCCCCAT-3'
Protein context (NP_002682.2, residues 333-353): PVIQICSLGL[Arg343His]WGEPEPFLRL

ClinVar aggregate classification (germline): Uncertain significance. Review status: criteria provided, multiple submitters, no conflicts (2 of 4 stars). 5 submissions from 5 submitters: Uncertain significance (5). Last evaluated 2025-08-21.

Conditions:
POLD1-related polyposis and colorectal cancer syndrome (CRCS10). Also called: COLORECTAL CANCER, SUSCEPTIBILITY TO, ON CHROMOSOME 19q; Colorectal cancer 10; Colorectal cancer, susceptibility to, 10. Identifiers: Orphanet 220460, MedGen C2675481, MONDO:0012953, OMIM 612591.
Hereditary cancer-predisposing syndrome. Also called: Hereditary Cancer Syndrome; Neoplastic Syndromes, Hereditary; Hereditary neoplastic syndrome; Tumor predisposition. Identifiers: Orphanet 140162, MedGen C0027672, MeSH D009386, MONDO:0015356.

Allele frequency attached by ClinVar (database versions not stated): TOPMed 0.00002; gnomAD 0.00003.

Submissions (5):

Ambry Genetics
Classification: Uncertain significance for Hereditary cancer-predisposing syndrome. Last evaluated: 2025-08-21. Review status: criteria provided, single submitter. Criteria: Ambry Variant Classification Scheme 2023. Collection method: clinical testing. Allele origin: germline.

Labcorp Genetics (formerly Invitae), Labcorp
Classification: Uncertain significance for POLD1-related polyposis and colorectal cancer syndrome. Last evaluated: 2025-08-20. Review status: criteria provided, single submitter. Criteria: Invitae Variant Classification Sherloc (09022015). Collection method: clinical testing. Allele origin: germline.
Comment: This sequence change replaces arginine, which is basic and polar, with histidine, which is basic and polar, at codon 343 of the POLD1 protein (p.Arg343His). This variant is present in population databases (rs140539427, gnomAD 0.02%). This variant has not been reported in the literature in individuals affected with POLD1-related conditions. ClinVar contains an entry for this variant (Variation ID: 246395). Invitae Evidence Modeling of protein sequence and biophysical properties (such as structural, functional, and spatial information, amino acid conservation, physicochemical variation, residue mobility, and thermodynamic stability) indicates that this missense variant is not expected to disrupt POLD1 protein function with a negative predictive value of 80%. In summary, the available evidence is currently insufficient to determine the role of this variant in disease. Therefore, it has been classified as a Variant of Uncertain Significance.

St. Jude Molecular Pathology, St. Jude Children's Research Hospital
Classification: Uncertain significance for POLD1-related polyposis and colorectal cancer syndrome. Last evaluated: 2024-12-08. Review status: criteria provided, single submitter. Criteria: St. Jude Assertion Criteria 2020. Collection method: clinical testing. Allele origin: germline.
Comment: The POLD1 c.1028G>A (p.Arg343His) missense change has a maximum subpopulation frequency of 0.02% in gnomAD v2.1.1. The in silico tool REVEL predicts a benign effect on protein function, but to our knowledge this prediction has not been confirmed by functional studies. To our knowledge, this variant has not been reported in the literature in individuals with POLD1-related disease. In summary, the evidence currently available is insufficient to determine the clinical significance of this variant. It has therefore been classified as of uncertain significance.

Baylor Genetics
Classification: Uncertain significance for POLD1-related polyposis and colorectal cancer syndrome. Last evaluated: 2023-08-10. Review status: criteria provided, single submitter. Criteria: ACMG Guidelines, 2015. Collection method: clinical testing. Allele origin: unknown.

GeneDx
Classification: Uncertain significance. Last evaluated: 2021-11-22. Review status: criteria provided, single submitter. Criteria: GeneDx Variant Classification Process June 2021. Collection method: clinical testing. Allele origin: germline. Affected: yes.
Comment: In silico analysis, which includes protein predictors and evolutionary conservation, supports that this variant does not alter protein structure/function; Has not been previously published as pathogenic or benign to our knowledge; This variant is associated with the following publications: (PMID: 20951805)